The following is an entry in ClinVar:

ClinVar aggregate classification (germline): Likely pathogenic (1 of 4 stars; one submission).

Submission:

GeneDx
Classification: Likely pathogenic. Last evaluated: 2024-12-20. Review status: criteria provided, single submitter. Criteria: GeneDx Variant Classification Process June 2021. Collection method: clinical testing. Allele origin: germline. Affected: yes.
Comment: Not observed at significant frequency in large population cohorts (gnomAD); In silico analysis supports that this missense variant has a deleterious effect on protein structure/function; This variant is associated with the following publications: (PMID: 20638392, 11783502, 30831305)

NM_000194.3(HPRT1):c.440T>C (p.Leu147Pro)

Gene: HPRT1 (hypoxanthine phosphoribosyltransferase 1; plus strand). Cytogenetic location: Xq26.2.
Variant type: single nucleotide variant.
Coding change: c.440T>C on transcript NM_000194.3 (MANE Select); coding-DNA position 440, T replaced by C.
Protein change: p.Leu147Pro; replaces leucine 147 with proline.
Molecular consequence: missense variant.
Genome position (GRCh38, 1-based): chrX:134,493,545, T>C. VCF-style: chrX-134493545-T-C. GRCh37 (hg19) VCF-style: chrX-133627575-T-C.
Other names: short protein forms L147P.
Identifiers: ClinVar variation 3391437 (VCV003391437.1).